The following is an entry in ClinVar:

NM_002691.4(POLD1):c.2209T>C (p.Ser737Pro)

Gene: POLD1 (DNA polymerase delta 1, catalytic subunit; plus strand). Cytogenetic location: 19q13.33.
Variant type: single nucleotide variant.
Coding change: c.2209T>C on transcript NM_002691.4 (MANE Select); coding-DNA position 2209, T replaced by C.
Protein change: p.Ser737Pro; replaces serine 737 with proline.
Molecular consequence: missense variant. On other transcripts: non-coding transcript variant (1).
Genome position (GRCh38, 1-based): chr19:50,413,480, T>C. VCF-style: chr19-50413480-T-C. GRCh37 (hg19) VCF-style: chr19-50916737-T-C.
Other names: c.2209T>C, p.Ser737Pro (NM_001256849.1); c.2287T>C, p.Ser763Pro (NM_001308632.1); c.2209T>C (NM_002691.2); short protein forms S737P, S763P.
Identifiers: ClinVar variation 537115 (VCV000537115.9), dbSNP rs1555792551, ClinGen allele CA406983665.

ClinVar aggregate classification (germline): Uncertain significance. Review status: criteria provided, multiple submitters, no conflicts (2 of 4 stars). 2 submissions from 2 submitters: Uncertain significance (2). Last evaluated 2025-03-15.

Conditions:
Hereditary cancer-predisposing syndrome. Also called: Tumor predisposition; Neoplastic Syndromes, Hereditary; Hereditary Cancer Syndrome; Hereditary neoplastic syndrome. Identifiers: Orphanet 140162, MedGen C0027672, MeSH D009386, MONDO:0015356.
POLD1-related polyposis and colorectal cancer syndrome (CRCS10). Also called: Colorectal cancer 10; COLORECTAL CANCER, SUSCEPTIBILITY TO, ON CHROMOSOME 19q; Colorectal cancer, susceptibility to, 10. Identifiers: Orphanet 220460, MedGen C2675481, MONDO:0012953, OMIM 612591.

Allele frequency attached by ClinVar (database versions not stated): TOPMed below 0.00001; gnomAD exomes 0.00001.
gnomAD v4.1: 12 of 1,612,506 alleles (0.00074%); highest among the groups gnomAD compares: Non-Finnish European, 0.001%; no homozygotes.

Submissions (2):

Ambry Genetics
Classification: Uncertain significance for Hereditary cancer-predisposing syndrome. Last evaluated: 2025-03-15. Review status: criteria provided, single submitter. Criteria: Ambry Variant Classification Scheme 2023. Collection method: clinical testing. Allele origin: germline.
Comment: The p.S737P variant (also known as c.2209T>C), located in coding exon 17 of the POLD1 gene, results from a T to C substitution at nucleotide position 2209. The serine at codon 737 is replaced by proline, an amino acid with similar properties. This amino acid position is conserved. In addition, this alteration is predicted to be tolerated by in silico analysis. Based on the available evidence, the clinical significance of this variant remains unclear.

Labcorp Genetics (formerly Invitae), Labcorp
Classification: Uncertain significance for POLD1-related polyposis and colorectal cancer syndrome. Last evaluated: 2022-07-07. Review status: criteria provided, single submitter. Criteria: Invitae Variant Classification Sherloc (09022015). Collection method: clinical testing. Allele origin: germline.
Comment: In summary, the available evidence is currently insufficient to determine the role of this variant in disease. Therefore, it has been classified as a Variant of Uncertain Significance. Algorithms developed to predict the effect of missense changes on protein structure and function are either unavailable or do not agree on the potential impact of this missense change (SIFT: "Tolerated"; PolyPhen-2: "Possibly Damaging"; Align-GVGD: "Class C0"). ClinVar contains an entry for this variant (Variation ID: 537115). This variant has not been reported in the literature in individuals affected with POLD1-related conditions. This variant is not present in population databases (gnomAD no frequency). This sequence change replaces serine, which is neutral and polar, with proline, which is neutral and non-polar, at codon 737 of the POLD1 protein (p.Ser737Pro).